The following is an entry in ClinVar:

ClinVar aggregate classification (germline): Uncertain significance. Review status: criteria provided, multiple submitters, no conflicts (2 of 4 stars). 3 submissions from 3 submitters: Uncertain significance (3). Last evaluated 2024-01-19.

gnomAD v4.1: 1 of 1,209,539 alleles (0.000083%); highest among the groups gnomAD compares: African/African-American, 0.0018%; no homozygotes.

Submissions (3):

Labcorp Genetics (formerly Invitae), Labcorp
Classification: Uncertain significance. Last evaluated: 2024-01-19. Review status: criteria provided, single submitter. Criteria: Invitae Variant Classification Sherloc (09022015). Collection method: clinical testing. Allele origin: germline.
Comment: This sequence change replaces lysine, which is basic and polar, with glutamine, which is neutral and polar, at codon 378 of the NEXMIF protein (p.Lys378Gln). This variant is present in population databases (no rsID available, gnomAD 0.02%). This variant has not been reported in the literature in individuals affected with NEXMIF-related conditions. ClinVar contains an entry for this variant (Variation ID: 2233299). An algorithm developed to predict the effect of missense changes on protein structure and function (PolyPhen-2) suggests that this variant is likely to be disruptive. In summary, the available evidence is currently insufficient to determine the role of this variant in disease. Therefore, it has been classified as a Variant of Uncertain Significance.

GeneDx
Classification: Uncertain significance. Last evaluated: 2023-07-25. Review status: criteria provided, single submitter. Criteria: GeneDx Variant Classification Process June 2021. Collection method: clinical testing. Allele origin: germline. Affected: yes.
Comment: In silico analysis supports that this missense variant does not alter protein structure/function; Has not been previously published as pathogenic or benign to our knowledge

Ambry Genetics
Classification: Uncertain significance. Last evaluated: 2021-06-18. Review status: criteria provided, single submitter. Criteria: Ambry Variant Classification Scheme 2023. Collection method: clinical testing. Allele origin: germline.

NM_001008537.3(NEXMIF):c.1132A>C (p.Lys378Gln)

Gene: NEXMIF (neurite extension and migration factor; minus strand). Cytogenetic location: Xq13.3.
Variant type: single nucleotide variant.
Coding change: c.1132A>C on transcript NM_001008537.3 (MANE Select); coding-DNA position 1132, A replaced by C.
Protein change: p.Lys378Gln; replaces lysine 378 with glutamine.
Molecular consequence: missense variant.
Genome position (GRCh38, 1-based): chrX:74,743,425, T>G on the plus strand (A>C on the coding strand, the complement: NEXMIF is on the minus strand). VCF-style: chrX-74743425-T-G. GRCh37 (hg19) VCF-style: chrX-73963260-T-G.
Other names: c.1132A>C (NM_001008537.1); short protein forms K378Q.
Identifiers: ClinVar variation 2233299 (VCV002233299.6), dbSNP rs61741844, ClinGen allele CA413671325.